The following is an entry in ClinVar:

NM_000426.4(LAMA2):c.4176+9C>T

Gene: LAMA2 (laminin subunit alpha 2; plus strand). Cytogenetic location: 6q22.33.
Variant type: single nucleotide variant.
Coding change: c.4176+9C>T on transcript NM_000426.4 (MANE Select); 9 bases into the intron after coding-DNA position 4176, C replaced by T.
Molecular consequence: intron variant.
Genome position (GRCh38, 1-based): chr6:129,320,664, C>T. VCF-style: chr6-129320664-C-T. GRCh37 (hg19) VCF-style: chr6-129641809-C-T.
Other names: p.?; c.4176+9C>T (NM_001079823.2).
Identifiers: ClinVar variation 389231 (VCV000389231.19), dbSNP rs117116822, ClinGen allele CA3993459.
Genomic context (GRCh38, chr6:129,320,664, plus strand): 5'-CTTGATTGAAAAATGTGATTGTCCCCTGGGCTATTCTGGCCTGTCCTGTGAGGTAAGCTA[C>T]CTCCTACTAACCTGCTTAATCTCAAGTCACTTCAGGAGCTAAATGGAAATACTCCCAGAA-3'

ClinVar aggregate classification (germline): Conflicting classifications of pathogenicity. Review status: criteria provided, conflicting classifications (1 of 4 stars). 6 submissions from 6 submitters: Uncertain significance (1); Likely benign (4). 1 of the submissions does not count toward it. Last evaluated 2026-01-19.

Conditions:
Congenital muscular dystrophy due to partial LAMA2 deficiency. Identifiers: MedGen C1842898.
LAMA2-related disorder. Also called: LAMA2-related disorders; LAMA2-related condition.
LAMA2-related muscular dystrophy (LAMA2-RD). Also called: Laminin alpha 2-related dystrophy. Identifiers: MedGen C5679788, MONDO:0100228.

Allele frequency attached by ClinVar (database versions not stated): 1000 Genomes Project 30x 0.00016; 1000 Genomes Project 0.00020; ESP Exome Variant Server 0.00031; gnomAD 0.00040 and 0.00042; TOPMed 0.00079.
gnomAD v4.1: 590 of 1,470,756 alleles (0.04%); highest among the groups gnomAD compares: Admixed American, 0.089%; no homozygotes.

Submissions (6):

Labcorp Genetics (formerly Invitae), Labcorp
Classification: Likely benign for LAMA2-related muscular dystrophy. Last evaluated: 2026-01-19. Review status: criteria provided, single submitter. Criteria: Invitae Variant Classification Sherloc (09022015). Collection method: clinical testing. Allele origin: germline.

Mayo Clinic Laboratories, Mayo Clinic
Classification: Likely benign. Last evaluated: 2025-06-19. Review status: criteria provided, single submitter. Criteria: ACMG Guidelines, 2015. Collection method: clinical testing. Allele origin: germline. Observed: 2 variant alleles.
Comment: BP4, BP7

Blueprint Genetics
Classification: Likely benign. Last evaluated: 2024-07-17. Review status: criteria provided, single submitter. Criteria: ACMG Guidelines, 2015. Collection method: clinical testing. Allele origin: germline.

Illumina Laboratory Services, Illumina
Classification: Uncertain significance for Congenital muscular dystrophy due to partial LAMA2 deficiency. Last evaluated: 2018-01-12. Review status: criteria provided, single submitter. Criteria: ICSL Variant Classification Criteria 13 December 2019. Collection method: clinical testing. Allele origin: germline.

GeneDx
Classification: Likely benign. Last evaluated: 2017-08-18. Review status: criteria provided, single submitter. Criteria: GeneDx Variant Classification (06012015). Collection method: clinical testing. Allele origin: germline. Affected: yes.
Comment: This variant is considered likely benign or benign based on one or more of the following criteria: it is a conservative change, it occurs at a poorly conserved position in the protein, it is predicted to be benign by multiple in silico algorithms, and/or has population frequency not consistent with disease.

PreventionGenetics, part of Exact Sciences
Classification: Likely benign for LAMA2-related condition. Last evaluated: 2019-03-01. Review status: no assertion criteria provided. Collection method: clinical testing. Allele origin: germline. Not counted in ClinVar's aggregate classification.
Comment: This variant is classified as likely benign based on ACMG/AMP sequence variant interpretation guidelines (Richards et al. 2015 PMID: 25741868, with internal and published modifications).